The following is an entry in ClinVar:

ClinVar aggregate classification (germline): Uncertain significance (1 of 4 stars; one submission).

Allele frequency attached by ClinVar (database versions not stated): gnomAD exomes below 0.00001.
gnomAD v4.1: 1 of 1,613,922 alleles (0.000062%); highest among the groups gnomAD compares: Non-Finnish European, 0.000085%; no homozygotes.

Submission:

CeGaT Center for Human Genetics Tuebingen
Classification: Uncertain significance. Last evaluated: 2024-03-01. Review status: criteria provided, single submitter. Criteria: CeGaT Center For Human Genetics Tuebingen Variant Classification Criteria Version 2. Collection method: clinical testing. Allele origin: germline. Affected: yes. Observed: 1 variant allele.
Comment: KMT2C: PM2, BP4

NM_170606.3(KMT2C):c.2153A>C (p.Glu718Ala)

Gene: KMT2C (lysine methyltransferase 2C; minus strand). Cytogenetic location: 7q36.1.
Variant type: single nucleotide variant.
Coding change: c.2153A>C on transcript NM_170606.3 (MANE Select); coding-DNA position 2153, A replaced by C.
Protein change: p.Glu718Ala; replaces glutamic acid 718 with alanine.
Molecular consequence: missense variant.
Genome position (GRCh38, 1-based): chr7:152,248,281, T>G on the plus strand (A>C on the coding strand, the complement: KMT2C is on the minus strand). VCF-style: chr7-152248281-T-G. GRCh37 (hg19) VCF-style: chr7-151945366-T-G.
Other names: short protein forms E718A.
Identifiers: ClinVar variation 3067269 (VCV003067269.21), dbSNP rs2129164188, ClinGen allele CA370080297.
Genomic context (GRCh38, chr7:152,248,281, plus strand): 5'-TCCATCAATCCAGTAGAAAGTTCAGAATTTTCTTTCTGTTCCTTTTCTCCTTGTAGCCTT[T>G]CTATAACCAACTGTTCCTCAGGACATAATGAAATACTTTCCTCATGTGGGGACACTAAGG-3'
Protein context (NP_733751.2, residues 708-728): SLCPEEQLVI[Glu718Ala]RLQGEKEQKE